The following is an entry in ClinVar:

ClinVar aggregate classification (germline): Uncertain significance (1 of 4 stars; one submission).

Allele frequency attached by ClinVar (database versions not stated): gnomAD exomes below 0.00001.
gnomAD v4.1: 4 of 1,212,270 alleles (0.00033%); highest among the groups gnomAD compares: Middle Eastern, 0.092%; no homozygotes.

Submission:

CeGaT Center for Human Genetics Tuebingen
Classification: Uncertain significance. Last evaluated: 2023-05-01. Review status: criteria provided, single submitter. Criteria: CeGaT Center For Human Genetics Tuebingen Variant Classification Criteria Version 2. Collection method: clinical testing. Allele origin: germline. Affected: yes. Observed: 1 variant allele.
Comment: BCOR: PM2, BP4

NM_001123385.2(BCOR):c.1207G>T (p.Ala403Ser)

Genes: BCOR (BCL6 corepressor; minus strand), LOC126863239 (MED14-independent group 3 enhancer GRCh37_chrX:39932994-39934193; plus strand). Cytogenetic location: Xp11.4.
Variant type: single nucleotide variant.
Coding change: c.1207G>T on transcript NM_001123385.2 (MANE Select); coding-DNA position 1207, G replaced by T.
Protein change: p.Ala403Ser; replaces alanine 403 with serine.
Molecular consequence: missense variant.
Genome position (GRCh38, 1-based): chrX:40,074,139, C>A on the plus strand (G>T on the coding strand, the complement: BCOR is on the minus strand). VCF-style: chrX-40074139-C-A. GRCh37 (hg19) VCF-style: chrX-39933392-C-A.
Other names: c.1207G>T, p.Ala403Ser (NM_001123383.2, NM_001123384.2, NM_017745.6); short protein forms A403S.
Identifiers: ClinVar variation 2660316 (VCV002660316.24), dbSNP rs1379633539, ClinGen allele CA412747087.